The following is an entry in ClinVar:

ClinVar aggregate classification (germline): Benign (1 of 4 stars; one submission).

Submission:

GeneDx
Classification: Benign. Last evaluated: 2018-06-14. Review status: criteria provided, single submitter. Criteria: GeneDx Variant Classification (06012015). Collection method: clinical testing. Allele origin: germline. Affected: yes.
Comment: This variant is considered likely benign or benign based on one or more of the following criteria: it is a conservative change, it occurs at a poorly conserved position in the protein, it is predicted to be benign by multiple in silico algorithms, and/or has population frequency not consistent with disease.

NM_000090.4(COL3A1):c.1149+59_1149+85del

Gene: COL3A1 (collagen type III alpha 1 chain; plus strand). Cytogenetic location: 2q32.2.
Variant type: Microsatellite.
Coding change: c.1149+59_1149+85del on transcript NM_000090.4 (MANE Select); bases 59 to 85 of the intron after coding-DNA position 1149, 27 bases deleted (AGTTTCATGCTTACTCCATGAAAGCAT).
Molecular consequence: intron variant.
Genome position (GRCh38, 1-based): chr2:188,993,518-188,993,544, AGTTTCATGCTTACTCCATGAAAGCAT deleted; deleting any 27 consecutive bases within chr2:188,993,485-188,993,544 gives the same sequence; the c. name uses the placement nearest the transcript's 3' end. VCF-style (leftmost placement, unchanged base first): chr2-188993484-TAAGCATAGTTTCATGCTTACTCCATGA-T. GRCh37 (hg19) VCF-style: chr2-189858210-TAAGCATAGTTTCATGCTTACTCCATGA-T.
Other names: c.1149+26_1149+52del27 (NM_000090.3).
Identifiers: ClinVar variation 675457 (VCV000675457.1), dbSNP rs531947962, ClinGen allele CA073815.
Genomic context (GRCh38, chr2:188,993,484, plus strand): 5'-GGACCTCAGGGACACGCTGGTGCTCAAGGTCCTCCTGTAAGTATCATAGTTGAGAGGGAG[TAAGCATAGTTTCATGCTTACTCCATGA>T]AAGCATAGTTTCATGCTTACTCCATGAAAGCATGTGCTTCAATATGGCTATCAGTGAAAA-3'